The following is an entry in ClinVar:

ClinVar aggregate classification (germline): Likely benign (1 of 4 stars; one submission).

Allele frequency attached by ClinVar (database versions not stated): gnomAD 0.00005; gnomAD exomes 0.00005; TOPMed 0.00006; ExAC 0.00008; ESP Exome Variant Server 0.00010; 1000 Genomes Project 0.00060.
gnomAD v4.1: 85 of 1,594,332 alleles (0.0053%); highest among the groups gnomAD compares: Middle Eastern, 0.017%; 1 homozygote.

Submission:

CeGaT Center for Human Genetics Tuebingen
Classification: Likely benign. Last evaluated: 2023-03-01. Review status: criteria provided, single submitter. Criteria: CeGaT Center For Human Genetics Tuebingen Variant Classification Criteria Version 2. Collection method: clinical testing. Allele origin: germline. Affected: yes. Observed: 1 variant allele.
Comment: RBM27: BP4, BP7

NM_018989.2(RBM27):c.1029G>A (p.Pro343=)

Genes: RBM27 (RNA binding motif protein 27; plus strand), RBM27-POU4F3 (RBM27-POU4F3 readthrough; plus strand). Cytogenetic location: 5q32.
Variant type: single nucleotide variant.
Coding change: c.1029G>A on transcript NM_018989.2 (MANE Select); coding-DNA position 1029, G replaced by A.
Protein change: p.Pro343=; no amino-acid change (proline 343 retained).
Molecular consequence: synonymous variant.
Genome position (GRCh38, 1-based): chr5:146,233,628, G>A. VCF-style: chr5-146233628-G-A. GRCh37 (hg19) VCF-style: chr5-145613191-G-A.
Other names: c.1029G>A, p.Pro343= (NM_001414499.1).
Identifiers: ClinVar variation 2655877 (VCV002655877.24), dbSNP rs199892617, ClinGen allele CA3490373.